The following is an entry in ClinVar:

ClinVar aggregate classification (germline): Uncertain significance. Review status: criteria provided, multiple submitters, no conflicts (2 of 4 stars). 3 submissions from 3 submitters: Uncertain significance (3). Last evaluated 2025-06-17.

Conditions:
Inborn genetic diseases. Identifiers: MedGen C0950123, MeSH D030342.
Hereditary spastic paraplegia 57. Also called: Spastic paraplegia 57, autosomal recessive. Identifiers: Orphanet 431329, MedGen C3714897, MONDO:0014295, OMIM 615658.
Hereditary motor and sensory neuropathy, Okinawa type (HMSNO). Also called: HEREDITARY MOTOR AND SENSORY NEUROPATHY, PROXIMAL TYPE. Identifiers: Orphanet 90117, MedGen C1858338, MONDO:0011468, OMIM 604484.

Allele frequency attached by ClinVar (database versions not stated): gnomAD exomes below 0.00001 and 0.00001; gnomAD 0.00001; TOPMed 0.00002.

Submissions (3):

GeneDx
Classification: Uncertain significance. Last evaluated: 2025-06-17. Review status: criteria provided, single submitter. Criteria: GeneDx Variant Classification Process June 2021. Collection method: clinical testing. Allele origin: germline. Affected: yes.
Comment: Not observed at significant frequency in large population cohorts (gnomAD); In silico analysis indicates that this missense variant does not alter protein structure/function; Has not been previously published as pathogenic or benign to our knowledge

Labcorp Genetics (formerly Invitae), Labcorp
Classification: Uncertain significance for Hereditary motor and sensory neuropathy, Okinawa type; Hereditary spastic paraplegia 57. Last evaluated: 2024-11-04. Review status: criteria provided, single submitter. Criteria: Invitae Variant Classification Sherloc (09022015). Collection method: clinical testing. Allele origin: germline.
Comment: This sequence change replaces proline, which is neutral and non-polar, with alanine, which is neutral and non-polar, at codon 375 of the TFG protein (p.Pro375Ala). This variant is present in population databases (no rsID available, gnomAD 0.003%). This variant has not been reported in the literature in individuals affected with TFG-related conditions. ClinVar contains an entry for this variant (Variation ID: 534742). Invitae Evidence Modeling of protein sequence and biophysical properties (such as structural, functional, and spatial information, amino acid conservation, physicochemical variation, residue mobility, and thermodynamic stability) indicates that this missense variant is not expected to disrupt TFG protein function with a negative predictive value of 80%. In summary, the available evidence is currently insufficient to determine the role of this variant in disease. Therefore, it has been classified as a Variant of Uncertain Significance.

Ambry Genetics
Classification: Uncertain significance for Inborn genetic diseases. Last evaluated: 2024-06-10. Review status: criteria provided, single submitter. Criteria: Ambry Variant Classification Scheme 2023. Collection method: clinical testing. Allele origin: germline.

NM_006070.6(TFG):c.1123C>G (p.Pro375Ala)

Gene: TFG (trafficking from ER to golgi regulator; plus strand). Cytogenetic location: 3q12.2.
Variant type: single nucleotide variant.
Coding change: c.1123C>G on transcript NM_006070.6 (MANE Select); coding-DNA position 1123, C replaced by G.
Protein change: p.Pro375Ala; replaces proline 375 with alanine.
Molecular consequence: missense variant.
Genome position (GRCh38, 1-based): chr3:100,748,451, C>G. VCF-style: chr3-100748451-C-G. GRCh37 (hg19) VCF-style: chr3-100467295-C-G.
Other names: c.1123C>G, p.Pro375Ala (NM_001007565.2, NM_001195478.2); c.1111C>G, p.Pro371Ala (NM_001195479.2); short protein forms P375A, P371A.
Identifiers: ClinVar variation 534742 (VCV000534742.9), dbSNP rs1234073129, ClinGen allele CA353854516.